The following is an entry in ClinVar:

ClinVar aggregate classification (germline): Uncertain significance (0 of 4 stars; one submission).

Allele frequency attached by ClinVar (database versions not stated): gnomAD 0.00001; gnomAD exomes below 0.00001; TOPMed below 0.00001.
gnomAD v4.1: 4 of 1,613,398 alleles (0.00025%); highest among the groups gnomAD compares: Non-Finnish European, 0.00025%; no homozygotes.

Submission:

Martin Pollak Laboratory,  Beth Israel Deaconess Medical Center
Classification: Uncertain significance. Review status: no assertion criteria provided. Collection method: not provided. Allele origin: unknown.
Comment: Lower UCa2+ group
ClinVar note: Converted during submission from unknown to Uncertain significance.

NM_032387.5(WNK4):c.3536C>T (p.Ala1179Val)

Gene: WNK4 (WNK lysine deficient protein kinase 4; plus strand). Cytogenetic location: 17q21.2.
Variant type: single nucleotide variant.
Coding change: c.3536C>T on transcript NM_032387.5 (MANE Select); coding-DNA position 3536, C replaced by T.
Protein change: p.Ala1179Val; replaces alanine 1179 with valine.
Molecular consequence: missense variant.
Genome position (GRCh38, 1-based): chr17:42,796,227, C>T. VCF-style: chr17-42796227-C-T. GRCh37 (hg19) VCF-style: chr17-40948245-C-T.
Other names: c.2528C>T, p.Ala843Val (NM_001321299.2); short protein forms A1179V, A843V.
Identifiers: ClinVar variation 64602 (VCV000064602.2), dbSNP rs387907560, ClinGen allele CA216490.
Genomic context (GRCh38, chr17:42,796,227, plus strand): 5'-AAATTGAAGATTTGTACAGCCGGCTGGGGAAGCAGCCCCCACCGGGTATTGTGGCCCCAG[C>T]TGCTATGCTGTCCAGCCGCCAGCGCCGCCTCTCCAAGGGCAGCTTCCCCACCTCCCGCCG-3'
Protein context (NP_115763.2, residues 1169-1189): KQPPPGIVAP[Ala1179Val]AMLSSRQRRL